The following is an entry in ClinVar:

NM_024422.6(DSC2):c.685del (p.Pro228_Leu229insTer)

Gene: DSC2 (desmocollin 2; minus strand). Cytogenetic location: 18q12.1.
Variant type: Deletion.
Coding change: c.685del on transcript NM_024422.6 (MANE Select); coding-DNA position 685, one base deleted (C; older notation c.685delC).
Protein change: p.Pro228_Leu229insTer.
Molecular consequence: nonsense.
Genome position (GRCh38, 1-based): chr18:31,087,759, G deleted on the plus strand (C on the coding strand, the reverse complement: DSC2 is on the minus strand); the first of 4 consecutive G bases (chr18:31,087,759-31,087,762); deleting any one gives the same sequence. VCF-style (leftmost placement, unchanged base first): chr18-31087758-AG-A. GRCh37 (hg19) VCF-style: chr18-28667721-AG-A.
Other names: c.685delC (NM_004949.5, NM_024422.3); c.685del, p.Pro228_Leu229insTer (NM_004949.5).
Identifiers: ClinVar variation 1319918 (VCV001319918.6), dbSNP rs1209546374, ClinGen allele CA629136502.
Genomic context (GRCh38, chr18:31,087,758, plus strand): 5'-GTATAAGTTTCTTCTGTAAAAATTGGGTAGTTATCATTTTCATCCTCTATTTTGATTATT[AG>A]GGGCAGTGGAAGTTCTGGAGTATACCCATCTGGAGTTGTTGCAAAGGCAATTATCTGTGA-3'

ClinVar aggregate classification (germline): Pathogenic. Review status: criteria provided, multiple submitters, no conflicts (2 of 4 stars). 3 submissions from 3 submitters: Pathogenic (2). 1 of the submissions does not count toward it. Last evaluated 2025-12-16.

Conditions:
Cardiovascular phenotype. Identifiers: MedGen CN230736.
Arrhythmogenic right ventricular dysplasia 11. Also called: Arrhythmogenic right ventricular dysplasia 11 with mild palmoplantar keratoderma and woolly hair; Arrhythmogenic Right Ventricular Dysplasia/Cardiomyopathy11; ARRHYTHMOGENIC RIGHT VENTRICULAR DYSPLASIA, FAMILIAL, 11. Identifiers: MedGen C1864850, MONDO:0012506, OMIM 610476.

Submissions (3):

Ambry Genetics
Classification: Pathogenic for Cardiovascular phenotype. Last evaluated: 2025-12-16. Review status: criteria provided, single submitter. Criteria: Ambry Variant Classification Scheme 2023. Collection method: clinical testing. Allele origin: germline.
Comment: The c.685delC pathogenic mutation, located in coding exon 6 of the DSC2 gene, results from a deletion of one nucleotide at nucleotide position 685, causing a translational frameshift with a predicted alternate stop codon (p.L229*). This variant was reported in individual(s) with features consistent with arrhythmogenic right ventricular cardiomyopathy (ARVC) (Gehmlich K et al. Cardiovasc Res, 2011 Apr;90:77-87; Protonotarios A et al. Europace, 2016 Apr;18:610-6). This alteration is expected to result in loss of function by premature protein truncation or nonsense-mediated mRNA decay. As such, this alteration is interpreted as a disease-causing mutation.

Fulgent Genetics
Classification: Pathogenic for Arrhythmogenic right ventricular dysplasia 11. Last evaluated: 2022-01-13. Review status: criteria provided, single submitter. Criteria: ACMG Guidelines, 2015. Collection method: clinical testing. Allele origin: unknown.

Clinical Genetics Laboratory, University Hospital Schleswig-Holstein
Classification: Pathogenic for Arrhythmogenic right ventricular dysplasia 11. Last evaluated: 2021-09-28. Review status: no assertion criteria provided. Collection method: clinical testing. Allele origin: germline. Affected: yes. Not counted in ClinVar's aggregate classification.

Literature cited by the submitters: PubMed 21062920 (cited by Ambry Genetics); PubMed 25825460 (cited by Ambry Genetics).